The following is an entry in ClinVar:

ClinVar aggregate classification (germline): Uncertain significance. Review status: criteria provided, multiple submitters, no conflicts (2 of 4 stars). 2 submissions from 2 submitters: Uncertain significance (2). Last evaluated 2025-07-28.

Conditions:
Primary ciliary dyskinesia. Also called: Ciliary dyskinesia. Identifiers: Orphanet 244, MedGen C0008780, MONDO:0016575, HP:0012265.

Allele frequency attached by ClinVar (database versions not stated): ExAC 0.00002; gnomAD 0.00003 and 0.00004; TOPMed 0.00003; ESP Exome Variant Server 0.00008.
gnomAD v4.1: 62 of 1,614,020 alleles (0.0038%); highest among the groups gnomAD compares: Admixed American, 0.0067%; no homozygotes.

Submissions (2):

Ambry Genetics
Classification: Uncertain significance for Primary ciliary dyskinesia. Last evaluated: 2025-07-28. Review status: criteria provided, single submitter. Criteria: Ambry Variant Classification Scheme 2023. Collection method: clinical testing. Allele origin: germline.
Comment: The p.P445S variant (also known as c.1333C>T), located in coding exon 3 of the RSPH4A gene, results from a C to T substitution at nucleotide position 1333. The proline at codon 445 is replaced by serine, an amino acid with similar properties. This amino acid position is conserved. In addition, this alteration is predicted to be deleterious by in silico analysis. Based on the available evidence, the clinical significance of this variant remains unclear.

Labcorp Genetics (formerly Invitae), Labcorp
Classification: Uncertain significance for Primary ciliary dyskinesia. Last evaluated: 2021-08-30. Review status: criteria provided, single submitter. Criteria: Invitae Variant Classification Sherloc (09022015). Collection method: clinical testing. Allele origin: germline.
Comment: This sequence change replaces proline with serine at codon 445 of the RSPH4A protein (p.Pro445Ser). The proline residue is highly conserved and there is a moderate physicochemical difference between proline and serine. This variant is present in population databases (rs146636625, ExAC 0.01%). This variant has not been reported in the literature in individuals affected with RSPH4A-related conditions. Algorithms developed to predict the effect of missense changes on protein structure and function are either unavailable or do not agree on the potential impact of this missense change (SIFT: "Deleterious"; PolyPhen-2: "Probably Damaging"; Align-GVGD: "Class C0"). In summary, the available evidence is currently insufficient to determine the role of this variant in disease. Therefore, it has been classified as a Variant of Uncertain Significance.

NM_001010892.3(RSPH4A):c.1333C>T (p.Pro445Ser)

Gene: RSPH4A (radial spoke head component 4A; plus strand). Cytogenetic location: 6q22.1.
Variant type: single nucleotide variant.
Coding change: c.1333C>T on transcript NM_001010892.3 (MANE Select); coding-DNA position 1333, C replaced by T.
Protein change: p.Pro445Ser; replaces proline 445 with serine.
Molecular consequence: missense variant.
Genome position (GRCh38, 1-based): chr6:116,628,040, C>T. VCF-style: chr6-116628040-C-T. GRCh37 (hg19) VCF-style: chr6-116949203-C-T.
Other names: c.1333C>T, p.Pro445Ser (NM_001161664.2); short protein forms P445S.
Identifiers: ClinVar variation 843453 (VCV000843453.9), dbSNP rs146636625, ClinGen allele CA3970927.